The following is an entry in ClinVar:

ClinVar aggregate classification (germline): Likely pathogenic. Review status: criteria provided, multiple submitters, no conflicts (2 of 4 stars). 2 submissions from 2 submitters: Likely pathogenic (2). Last evaluated 2025-08-29.

Conditions:
COL4A5-related disorders.
X-linked Alport syndrome (ATS1). Also called: NEPHROPATHY AND DEAFNESS, X-LINKED; COL4A5-Related Nephropathy. Identifiers: Orphanet 63, Orphanet 88917, MedGen C4746986, MONDO:0010520, OMIM 301050.

Submissions (2):

Genetics laboratory, Institute of Kidney Diseases & Research Centre Dr. H.L. Trivedi Institute Of Transplantation Sciences
Classification: Likely pathogenic for X-linked Alport syndrome. Last evaluated: 2025-08-29. Review status: criteria provided, single submitter. Criteria: ACMG Guidelines, 2015. Collection method: clinical testing. Allele origin: germline. Inheritance: X-linked dominant inheritance. Affected: yes. Observed: 1 variant allele, 1 hemizygote.
Comment: The COL4A5:c.491C>A (p.Ser164*) variant is classified as Likely Pathogenic according to American College of Medical Genetics and Genomics 2015 guidelines. This nonsense variant introduces a premature stop codon, expected to result in a truncated protein or nonsense-mediated mRNA decay. Loss of function of COL4A5 is a well-established mechanism underlying Alport syndrome, supporting the pathogenic role of this variant.

Blueprint Genetics
Classification: Likely pathogenic for COL4A5-related disorders. Last evaluated: 2020-12-09. Review status: criteria provided, single submitter. Criteria: ACMG Guidelines, 2015. Collection method: clinical testing. Allele origin: germline. Affected: yes. Observed: 1 variant allele.

NM_033380.3(COL4A5):c.491C>A (p.Ser164Ter)

Gene: COL4A5 (collagen type IV alpha 5 chain; plus strand). Cytogenetic location: Xq22.3.
Variant type: single nucleotide variant.
Coding change: c.491C>A on transcript NM_033380.3 (MANE Select); coding-DNA position 491, C replaced by A.
Protein change: p.Ser164Ter; replaces serine 164 with a stop codon.
Molecular consequence: nonsense.
Genome position (GRCh38, 1-based): chrX:108,573,599, C>A. VCF-style: chrX-108573599-C-A. GRCh37 (hg19) VCF-style: chrX-107816829-C-A.
Other names: c.491C>A, p.Ser164Ter (NM_000495.5); short protein forms S164*.
Identifiers: ClinVar variation 4851298 (VCV004851298.2).
Genomic context (GRCh38, chrX:108,573,599, plus strand): 5'-TGTGTCTTAGAACTTCCATTGATGGCTTCTTTTAGGGTGAACCAGGTAGTATAATTATGT[C>A]ATCACTGCCAGGACCAAAGGGTAATCCAGGATATCCAGGTCCTCCTGGAATACAAGTAAG-3'